The following is an entry in ClinVar:

NM_007254.4(PNKP):c.1386+1G>A

Gene: PNKP (polynucleotide kinase 3'-phosphatase; minus strand). Cytogenetic location: 19q13.33.
Variant type: single nucleotide variant.
Coding change: c.1386+1G>A on transcript NM_007254.4 (MANE Select); the canonical splice donor site of the intron after coding-DNA position 1386, G replaced by A.
Molecular consequence: splice donor variant.
Genome position (GRCh38, 1-based): chr19:49,861,607, C>T on the plus strand (G>A on the coding strand, the complement: PNKP is on the minus strand). VCF-style: chr19-49861607-C-T. GRCh37 (hg19) VCF-style: chr19-50364864-C-T.
Identifiers: ClinVar variation 379531 (VCV000379531.2), dbSNP rs1057520630, ClinGen allele CA16607877.

ClinVar aggregate classification (germline): Pathogenic (1 of 4 stars; one submission).

Submission:

GeneDx
Classification: Pathogenic. Last evaluated: 2015-04-16. Review status: criteria provided, single submitter. Criteria: GeneDx Variant Classification (06012015). Collection method: clinical testing. Allele origin: germline. Affected: yes.
Comment: The c.1386+1 G>A splice site variant in the PNKP gene destroys the canonical splice donor site in intron 15.It is predicted to cause abnormal gene splicing, either leading to an abnormal message that is subject tononsense-mediated mRNA decay, or to an abnormal protein product if the message is used for proteintranslation. It was not observed in approximately 6,100 individuals of European and African Americanancestry in the NHLBI Exome Sequencing Project, indicating it is not a common benign variant in thesepopulations. Although c.1386+1 G>A has not been previously reported to our knowledge, it is expected to bea pathogenic variant.